The following is an entry in ClinVar:

NM_000452.3(SLC10A2):c.1020T>A (p.Asn340Lys)

Gene: SLC10A2 (solute carrier family 10 member 2; minus strand). Cytogenetic location: 13q33.1.
Variant type: single nucleotide variant.
Coding change: c.1020T>A on transcript NM_000452.3 (MANE Select); coding-DNA position 1020, T replaced by A.
Protein change: p.Asn340Lys; replaces asparagine 340 with lysine.
Molecular consequence: missense variant.
Genome position (GRCh38, 1-based): chr13:103,046,160, A>T on the plus strand (T>A on the coding strand, the complement: SLC10A2 is on the minus strand). VCF-style: chr13-103046160-A-T. GRCh37 (hg19) VCF-style: chr13-103698510-A-T.
Other names: short protein forms N340K.
Identifiers: ClinVar variation 1931048 (VCV001931048.5), dbSNP rs201690389, ClinGen allele CA255198487.
Genomic context (GRCh38, chr13:103,046,160, plus strand): 5'-ATTTGGAACTCGTCTGTTTTGTCCACTTGATGTCTACTTTTCGTCAGGTTGAAATCCTCC[A>T]TTTGCCTTATAAAACGATGACTCTGGCTCCGTTCCATTTTCTTTGCTCTCTGGAATTTCT-3'
Protein context (NP_000443.2, residues 330-348): TEPESSFYKA[Asn340Lys]GGFQPDEK

ClinVar aggregate classification (germline): Uncertain significance (1 of 4 stars; one submission).

gnomAD v4.1: 11 of 1,613,584 alleles (0.00068%); highest among the groups gnomAD compares: Middle Eastern, 0.033%; no homozygotes.

Submission:

Labcorp Genetics (formerly Invitae), Labcorp
Classification: Uncertain significance. Last evaluated: 2022-08-17. Review status: criteria provided, single submitter. Criteria: Invitae Variant Classification Sherloc (09022015). Collection method: clinical testing. Allele origin: germline.
Comment: This sequence change replaces asparagine, which is neutral and polar, with lysine, which is basic and polar, at codon 340 of the SLC10A2 protein (p.Asn340Lys). This variant is present in population databases (no rsID available, gnomAD 0.0009%). This variant has not been reported in the literature in individuals affected with SLC10A2-related conditions. Algorithms developed to predict the effect of missense changes on protein structure and function (SIFT, PolyPhen-2, Align-GVGD) all suggest that this variant is likely to be tolerated. In summary, the available evidence is currently insufficient to determine the role of this variant in disease. Therefore, it has been classified as a Variant of Uncertain Significance.